The following is an entry in ClinVar:

ClinVar aggregate classification (germline): Uncertain significance (0 of 4 stars; one submission).

Conditions:
L1CAM-related disorder. Also called: L1CAM-related condition.

Submission:

PreventionGenetics, part of Exact Sciences
Classification: Uncertain significance for L1CAM-related condition. Last evaluated: 2024-08-30. Review status: no assertion criteria provided. Collection method: clinical testing. Allele origin: germline.
Comment: The L1CAM c.2431+5G>T variant is predicted to interfere with splicing. To our knowledge, this variant has not been reported in the literature or in a large population database, indicating this variant is rare. At this time, the clinical significance of this variant is uncertain due to the absence of conclusive functional and genetic evidence.

NM_001278116.2(L1CAM):c.2431+5G>T

Gene: L1CAM (L1 cell adhesion molecule; minus strand). Cytogenetic location: Xq28.
Variant type: single nucleotide variant.
Coding change: c.2431+5G>T on transcript NM_001278116.2 (MANE Select); 5 bases into the intron after coding-DNA position 2431, G replaced by T.
Molecular consequence: intron variant.
Genome position (GRCh38, 1-based): chrX:153,866,644, C>A on the plus strand (G>T on the coding strand, the complement: L1CAM is on the minus strand). VCF-style: chrX-153866644-C-A. GRCh37 (hg19) VCF-style: chrX-153132099-C-A.
Other names: c.2416+5G>T (NM_001143963.2); c.2431+5G>T (NM_024003.3, NM_000425.5).
Identifiers: ClinVar variation 3344224 (VCV003344224.1).